The following is an entry in ClinVar:

NM_001378778.1(MPDZ):c.2018C>T (p.Pro673Leu)

Gene: MPDZ (multiple PDZ domain crumbs cell polarity complex component; minus strand). Cytogenetic location: 9p23.
Variant type: single nucleotide variant.
Coding change: c.2018C>T on transcript NM_001378778.1 (MANE Select); coding-DNA position 2018, C replaced by T.
Protein change: p.Pro673Leu; replaces proline 673 with leucine.
Molecular consequence: missense variant.
Genome position (GRCh38, 1-based): chr9:13,190,250, G>A on the plus strand (C>T on the coding strand, the complement: MPDZ is on the minus strand). VCF-style: chr9-13190250-G-A. GRCh37 (hg19) VCF-style: chr9-13190249-G-A.
Other names: c.2018C>T, p.Pro673Leu (NM_001375421.1, NM_001375422.1, NM_001375423.1 and 14 more transcripts); short protein forms P673L.
Identifiers: ClinVar variation 3665154 (VCV003665154.2).
Genomic context (GRCh38, chr9:13,190,250, plus strand): 5'-ATGGCCAAAGGTGCTTGAACCTCTTCTGTACTCTGACCCGCATCAGTCATCGCCAGCACT[G>A]GATCCTCTGTCTCTGATGACCCGATGAACTCACCTAGATCTACGTGAGGCTGGATAATAT-3'
Protein context (NP_001365707.1, residues 663-683): EFIGSSETED[Pro673Leu]VLAMTDAGQS

ClinVar aggregate classification (germline): Uncertain significance (1 of 4 stars; one submission).

gnomAD v4.1: 4 of 1,610,814 alleles (0.00025%); highest among the groups gnomAD compares: East Asian, 0.0022%; no homozygotes.

Submission:

Labcorp Genetics (formerly Invitae), Labcorp
Classification: Uncertain significance. Last evaluated: 2024-06-28. Review status: criteria provided, single submitter. Criteria: Invitae Variant Classification Sherloc (09022015). Collection method: clinical testing. Allele origin: germline.
Comment: This sequence change replaces proline, which is neutral and non-polar, with leucine, which is neutral and non-polar, at codon 673 of the MPDZ protein (p.Pro673Leu). This variant is present in population databases (no rsID available, gnomAD 0.06%). This variant has not been reported in the literature in individuals affected with MPDZ-related conditions. An algorithm developed to predict the effect of missense changes on protein structure and function (PolyPhen-2) suggests that this variant is likely to be tolerated. In summary, the available evidence is currently insufficient to determine the role of this variant in disease. Therefore, it has been classified as a Variant of Uncertain Significance.